The following is an entry in ClinVar:

NM_177438.3(DICER1):c.2436+4_2436+7del

Gene: DICER1 (dicer 1, ribonuclease III; minus strand). Cytogenetic location: 14q32.13.
Variant type: Microsatellite.
Coding change: c.2436+4_2436+7del on transcript NM_177438.3 (MANE Select); bases 4 to 7 of the intron after coding-DNA position 2436, 4 bases deleted (GGTA; older notation c.2436+4_2436+7delGGTA).
Molecular consequence: splice donor variant.
Genome position (GRCh38, 1-based): chr14:95,108,317-95,108,320, TACC deleted on the plus strand (GGTA on the coding strand, the reverse complement: DICER1 is on the minus strand); deleting any 4 consecutive bases within chr14:95,108,317-95,108,325 gives the same sequence; the c. name uses the placement nearest the transcript's 3' end. VCF-style (leftmost placement, unchanged base first): chr14-95108316-ATACC-A. GRCh37 (hg19) VCF-style: chr14-95574653-ATACC-A.
Other names: c.2436+4_2436+7del (NM_001291628.2, NM_030621.4, NM_001271282.3 and 1 more transcripts); c.2436+4_2436+7delGGTA (NM_177438.3, NM_177438.2).
Identifiers: ClinVar variation 242062 (VCV000242062.28), dbSNP rs777823741, ClinGen allele CA7331245.

ClinVar aggregate classification (germline): Conflicting classifications of pathogenicity. Review status: criteria provided, conflicting classifications (1 of 4 stars). 7 submissions from 7 submitters: Uncertain significance (6); Likely benign (1). Last evaluated 2026-01-28.

Conditions:
DICER1-related tumor predisposition. Also called: DICER1-related pleuropulmonary blastoma cancer predisposition syndrome; DICER1 syndrome. Identifiers: Orphanet 284343, MedGen C3839822, MONDO:0100216.
Hereditary cancer-predisposing syndrome. Also called: Tumor predisposition; Hereditary neoplastic syndrome; Hereditary Cancer Syndrome; Neoplastic Syndromes, Hereditary. Identifiers: Orphanet 140162, MedGen C0027672, MeSH D009386, MONDO:0015356.

Submissions (7):

Labcorp Genetics (formerly Invitae), Labcorp
Classification: Likely benign for DICER1-related tumor predisposition. Last evaluated: 2026-01-28. Review status: criteria provided, single submitter. Criteria: Invitae Variant Classification Sherloc (09022015). Collection method: clinical testing. Allele origin: germline.

Center for Genomic Medicine, Rigshospitalet, Copenhagen University Hospital
Classification: Uncertain significance. Last evaluated: 2025-12-29. Review status: criteria provided, single submitter. Criteria: ACMG Guidelines, 2015. Collection method: clinical testing. Allele origin: germline.

Ambry Genetics
Classification: Uncertain significance for Hereditary cancer-predisposing syndrome. Last evaluated: 2025-07-23. Review status: criteria provided, single submitter. Criteria: Ambry Variant Classification Scheme 2023. Collection method: clinical testing. Allele origin: germline.
Comment: The c.2436+4_2436+7delGGTA intronic variant, located 4 nucleotides after coding exon 14 of the DICER1 gene, results from a deletion of 4 nucleotides (GGTA). This nucleotide region is poorly conserved in available vertebrate species. In silico splice site analysis predicts that this alteration will not have any significant effect on splicing; however, direct evidence is insufficient at this time (Ambry internal data). Since supporting evidence is limited at this time, the clinical significance of this alteration remains unclear.

GeneDx
Classification: Uncertain significance. Last evaluated: 2025-05-15. Review status: criteria provided, single submitter. Criteria: GeneDx Variant Classification Process June 2021. Collection method: clinical testing. Allele origin: germline. Affected: yes.
Comment: In silico analysis is inconclusive as to whether the variant alters gene splicing. In the absence of RNA/functional studies, the actual effect of this sequence change is unknown.; Has not been previously published as pathogenic or benign to our knowledge

Dasa
Classification: Uncertain significance. Last evaluated: 2025-03-18. Review status: criteria provided, single submitter. Criteria: DASA Assertion Criteria. Collection method: clinical testing. Allele origin: germline.
Comment: NM_177438.3(DICER1):c.2436+4_2436+7del is a splice-region variant. This variant is rare in population databases. Computational prediction algorithms are consistent with a benign effect. The currently available literature and clinical evidence are not sufficient to establish a definitive association between this variant and the reported condition. Therefore, this variant is classified as a variant of uncertain significance.

Hereditary Cancer Group, L’Institut d'Investigació Biomèdica de Bellvitge
Classification: Uncertain significance for Hereditary cancer-predisposing syndrome. Last evaluated: 2024-12-19. Review status: criteria provided, single submitter. Criteria: Hatton et al. (Hum Mutat. 2023). Collection method: clinical testing. Allele origin: germline. Inheritance: Autosomal dominant inheritance. Affected: yes.
Comment: No classification codes are met.

Quest Diagnostics Nichols Institute San Juan Capistrano
Classification: Uncertain significance. Last evaluated: 2024-06-20. Review status: criteria provided, single submitter. Criteria: Quest Diagnostics criteria. Collection method: clinical testing. Allele origin: unknown.
Comment: The DICER1 c.2436+4_2436+7del variant has not been reported in individuals with DICER1-related conditions in the published literature. The frequency of this variant in the general population, 0.000062 (8/128918 chromosomes (Genome Aggregation Database)), is uninformative in the assessment of its pathogenicity. Analysis of this variant using software algorithms for the prediction of the effect of nucleotide changes on splicing yielded predictions that this variant may affect proper DICER1 mRNA splicing. Based on the available information, we are unable to determine the clinical significance of this variant.